The following is an entry in ClinVar:

NM_001287491.2(TET3):c.4436G>A (p.Cys1479Tyr)

Gene: TET3 (tet methylcytosine dioxygenase 3; plus strand). Cytogenetic location: 2p13.1.
Variant type: single nucleotide variant.
Coding change: c.4436G>A on transcript NM_001287491.2 (MANE Select); coding-DNA position 4436, G replaced by A.
Protein change: p.Cys1479Tyr; replaces cysteine 1479 with tyrosine.
Molecular consequence: missense variant.
Genome position (GRCh38, 1-based): chr2:74,101,224, G>A. VCF-style: chr2-74101224-G-A. GRCh37 (hg19) VCF-style: chr2-74328351-G-A.
Other names: c.4157G>A, p.Cys1386Tyr (NM_001366022.1); short protein forms C1386Y, C1479Y.
Identifiers: ClinVar variation 5017163 (VCV005017163.1).

ClinVar aggregate classification (germline): Uncertain significance (1 of 4 stars; one submission).

Submission:

GeneDx
Classification: Uncertain significance. Last evaluated: 2026-03-25. Review status: criteria provided, single submitter. Criteria: GeneDx Variant Classification Process June 2021. Collection method: clinical testing. Allele origin: germline.
Comment: Not observed at significant frequency in large population cohorts (gnomAD); In silico analysis supports that this missense variant has a deleterious effect on protein structure/function; Has not been previously published as pathogenic or benign to our knowledge